The following is an entry in ClinVar:

ClinVar aggregate classification (germline): Uncertain significance (1 of 4 stars; one submission).

Conditions:
Inborn genetic diseases. Identifiers: MedGen C0950123, MeSH D030342.

Submission:

Ambry Genetics
Classification: Uncertain significance for Inborn genetic diseases. Last evaluated: 2025-01-18. Review status: criteria provided, single submitter. Criteria: Ambry Variant Classification Scheme 2023. Collection method: clinical testing. Allele origin: germline.
Comment: The p.N386D variant (also known as c.1156A>G), located in coding exon 10 of the ANKRD26 gene, results from an A to G substitution at nucleotide position 1156. The asparagine at codon 386 is replaced by aspartic acid, an amino acid with highly similar properties. This amino acid position is conserved. In addition, this alteration is predicted to be tolerated by in silico analysis. Based on the available evidence, the clinical significance of this variant remains unclear.

NM_014915.3(ANKRD26):c.1156A>G (p.Asn386Asp)

Gene: ANKRD26 (ankyrin repeat domain containing 26; minus strand). Cytogenetic location: 10p12.1.
Variant type: single nucleotide variant.
Coding change: c.1156A>G on transcript NM_014915.3 (MANE Select); coding-DNA position 1156, A replaced by G.
Protein change: p.Asn386Asp; replaces asparagine 386 with aspartic acid.
Molecular consequence: missense variant.
Genome position (GRCh38, 1-based): chr10:27,067,208, T>C on the plus strand (A>G on the coding strand, the complement: ANKRD26 is on the minus strand). VCF-style: chr10-27067208-T-C. GRCh37 (hg19) VCF-style: chr10-27356137-T-C.
Other names: c.1156A>G, p.Asn386Asp (NM_001256053.2); short protein forms N386D.
Identifiers: ClinVar variation 3870551 (VCV003870551.1).